The following is an entry in ClinVar:

NM_033087.4(ALG2):c.183C>T (p.Ala61=)

Gene: ALG2 (ALG2 alpha-1,3/1,6-mannosyltransferase; minus strand). Cytogenetic location: 9q22.33.
Variant type: single nucleotide variant.
Coding change: c.183C>T on transcript NM_033087.4 (MANE Select); coding-DNA position 183, C replaced by T.
Protein change: p.Ala61=; no amino-acid change (alanine 61 retained).
Molecular consequence: synonymous variant. On other transcripts: non-coding transcript variant (1).
Genome position (GRCh38, 1-based): chr9:99,221,712, G>A on the plus strand (C>T on the coding strand, the complement: ALG2 is on the minus strand). VCF-style: chr9-99221712-G-A. GRCh37 (hg19) VCF-style: chr9-101983994-G-A.
Other names: c.183C>T (NM_033087.3).
Identifiers: ClinVar variation 1666006 (VCV001666006.10), dbSNP rs755793459, ClinGen allele CA5156456.

ClinVar aggregate classification (germline): Likely benign. Review status: criteria provided, single submitter (1 of 4 stars). 2 submissions from 2 submitters: Likely benign (1). 1 of the submissions does not count toward it. Last evaluated 2025-10-28.

Conditions:
Congenital disorder of glycosylation, type Ii. Also called: CDG Ii; ALG2-congenital disorder of glycosylation; ALG2-CDG. Identifiers: Orphanet 79326, MedGen C1842836, MONDO:0011933, OMIM 607906.
Congenital myasthenic syndrome 14. Also called: Myasthenic syndrome, congenital, 14, with tubular aggregates. Identifiers: Orphanet 353327, Orphanet 590, MedGen C4015597, MONDO:0014543, OMIM 616228.
ALG2-related disorder. Also called: ALG2-related condition.

Allele frequency attached by ClinVar (database versions not stated): gnomAD 0.00001; TOPMed 0.00001; gnomAD exomes 0.00001 and 0.00003.

Submissions (2):

Labcorp Genetics (formerly Invitae), Labcorp
Classification: Likely benign for Congenital disorder of glycosylation, type Ii; Congenital myasthenic syndrome 14. Last evaluated: 2025-10-28. Review status: criteria provided, single submitter. Criteria: Invitae Variant Classification Sherloc (09022015). Collection method: clinical testing. Allele origin: germline.

PreventionGenetics, part of Exact Sciences
Classification: Likely benign for ALG2-related condition. Last evaluated: 2019-05-31. Review status: no assertion criteria provided. Collection method: clinical testing. Allele origin: germline. Not counted in ClinVar's aggregate classification.
Comment: This variant is classified as likely benign based on ACMG/AMP sequence variant interpretation guidelines (Richards et al. 2015 PMID: 25741868, with internal and published modifications).